The following is an entry in ClinVar:

ClinVar aggregate classification (germline): Uncertain significance (1 of 4 stars; one submission).

gnomAD v4.1: 3 of 1,613,996 alleles (0.00019%); highest among the groups gnomAD compares: Non-Finnish European, 0.00025%; no homozygotes.

Submission:

GeneDx
Classification: Uncertain significance. Last evaluated: 2025-02-06. Review status: criteria provided, single submitter. Criteria: GeneDx Variant Classification Process June 2021. Collection method: clinical testing. Allele origin: germline. Affected: yes.
Comment: Not observed at significant frequency in large population cohorts (gnomAD); In silico analysis indicates that this missense variant does not alter protein structure/function; Has not been previously published as pathogenic or benign to our knowledge; This variant is associated with the following publications: (PMID: 24282183)

NM_017739.4(POMGNT1):c.1717C>G (p.His573Asp)

Genes: POMGNT1 (protein O-linked mannose N-acetylglucosaminyltransferase 1 (beta 1,2-); minus strand), TSPAN1 (tetraspanin 1; plus strand). Cytogenetic location: 1p34.1.
Variant type: single nucleotide variant.
Coding change: c.1717C>G on transcript NM_017739.4 (MANE Select); coding-DNA position 1717, C replaced by G.
Protein change: p.His573Asp; replaces histidine 573 with aspartic acid.
Molecular consequence: missense variant.
Genome position (GRCh38, 1-based): chr1:46,189,922, G>C on the plus strand (C>G on the coding strand, the complement: POMGNT1 is on the minus strand). VCF-style: chr1-46189922-G-C. GRCh37 (hg19) VCF-style: chr1-46655594-G-C.
Other names: c.1651C>G, p.His551Asp (NM_001438691.1, NM_001438692.1, NM_001290129.3); c.1717C>G, p.His573Asp (NM_001243766.2, NM_001410783.1, NM_001437653.1 and 3 more transcripts); c.1288C>G, p.His430Asp (NM_001290130.2); short protein forms H430D, H551D, H573D.
Identifiers: ClinVar variation 4074459 (VCV004074459.1).